The following is an entry in ClinVar:

ClinVar aggregate classification (germline): Uncertain significance (1 of 4 stars; one submission).

Conditions:
Arrhythmogenic right ventricular dysplasia 12. Also called: ARRHYTHMOGENIC RIGHT VENTRICULAR DYSPLASIA, FAMILIAL, 12. Identifiers: MedGen C1969081, MONDO:0012684, OMIM 611528.
Naxos disease (NXD). Also called: MAL DE NAXOS; PALMOPLANTAR KERATODERMA WITH ARRHYTHMOGENIC RIGHT VENTRICULAR CARDIOMYOPATHY AND WOOLLY HAIR; WOOLLY HAIR, PALMOPLANTAR KERATODERMA, AND CARDIAC ABNORMALITIES; KERATOSIS PALMOPLANTARIS WITH ARRHYTHMOGENIC CARDIOMYOPATHY; CARDIOMYOPATHY, ARRHYTHMOGENIC RIGHT VENTRICULAR, WITH SKIN, HAIR, AND NAIL ABNORMALITIES. Identifiers: Orphanet 34217, MedGen C1832600, MONDO:0011017, OMIM 601214.

gnomAD v4.1: 5 of 1,611,156 alleles (0.00031%); highest among the groups gnomAD compares: Non-Finnish European, 0.00025%; no homozygotes.

Submission:

Labcorp Genetics (formerly Invitae), Labcorp
Classification: Uncertain significance for Arrhythmogenic right ventricular dysplasia 12; Naxos disease. Last evaluated: 2024-03-16. Review status: criteria provided, single submitter. Criteria: Invitae Variant Classification Sherloc (09022015). Collection method: clinical testing. Allele origin: germline.
Comment: This sequence change replaces proline, which is neutral and non-polar, with arginine, which is basic and polar, at codon 735 of the JUP protein (p.Pro735Arg). This variant is not present in population databases (gnomAD no frequency). This variant has not been reported in the literature in individuals affected with JUP-related conditions. ClinVar contains an entry for this variant (Variation ID: 948169). An algorithm developed to predict the effect of missense changes on protein structure and function (PolyPhen-2) suggests that this variant is likely to be tolerated. In summary, the available evidence is currently insufficient to determine the role of this variant in disease. Therefore, it has been classified as a Variant of Uncertain Significance.

NM_002230.4(JUP):c.2204C>G (p.Pro735Arg)

Gene: JUP (junction plakoglobin; minus strand). Cytogenetic location: 17q21.2.
Variant type: single nucleotide variant.
Coding change: c.2204C>G on transcript NM_002230.4 (MANE Select); coding-DNA position 2204, C replaced by G.
Protein change: p.Pro735Arg; replaces proline 735 with arginine.
Molecular consequence: missense variant.
Genome position (GRCh38, 1-based): chr17:41,755,778, G>C on the plus strand (C>G on the coding strand, the complement: JUP is on the minus strand). VCF-style: chr17-41755778-G-C. GRCh37 (hg19) VCF-style: chr17-39912030-G-C.
Other names: c.2204C>G, p.Pro735Arg (NM_001352773.2, NM_001352774.2, NM_001352775.2 and 3 more transcripts); short protein forms P735R.
Identifiers: ClinVar variation 948169 (VCV000948169.9), dbSNP rs782574785, ClinGen allele CA399490323.
Genomic context (GRCh38, chr17:41,755,778, plus strand): 5'-AGGGGGCCGTACTGGGGCCAGGCCGCCTAGGCCAGCATGTGGTCTGCAGTGGGGTACGGG[G>C]GCCTGAGGCCGTCGCTGTAGGTGTCGATGGGGTAGTCTCCATCCATGTCCATGTGCATCT-3'
Protein context (NP_002221.1, residues 725-745): PIDTYSDGLR[Pro735Arg]PYPTADHMLA